The following is an entry in ClinVar:

NM_018979.4(WNK1):c.4357G>A (p.Val1453Ile)

Gene: WNK1 (WNK lysine deficient protein kinase 1; plus strand). Cytogenetic location: 12p13.33.
Variant type: single nucleotide variant.
Coding change: c.4357G>A on transcript NM_018979.4 (MANE Select); coding-DNA position 4357, G replaced by A.
Protein change: p.Val1453Ile; replaces valine 1453 with isoleucine.
Molecular consequence: missense variant.
Genome position (GRCh38, 1-based): chr12:885,161, G>A. VCF-style: chr12-885161-G-A. GRCh37 (hg19) VCF-style: chr12-994327-G-A.
Other names: c.5137G>A, p.Val1713Ile (NM_001184985.2); c.3616G>A, p.Val1206Ile (NM_014823.3); c.5113G>A, p.Val1705Ile (NM_213655.5); short protein forms V1453I, V1705I, V1206I, V1713I.
Identifiers: ClinVar variation 1037971 (VCV001037971.12), dbSNP rs774635947, ClinGen allele CA6382961.

ClinVar aggregate classification (germline): Uncertain significance. Review status: criteria provided, multiple submitters, no conflicts (2 of 4 stars). 3 submissions from 3 submitters: Uncertain significance (3). Last evaluated 2022-03-28.

Conditions:
Neuropathy, hereditary sensory and autonomic, type 2A (HSAN2A). Also called: MORVAN DISEASE; NEUROPATHY, CONGENITAL SENSORY; NEUROPATHY, HEREDITARY SENSORY RADICULAR, AUTOSOMAL RECESSIVE; NEUROPATHY, HEREDITARY SENSORY, TYPE IIA; NEUROPATHY, PROGRESSIVE SENSORY, OF CHILDREN; WNK1-Related HSAN2 (HSAN2A). Identifiers: Orphanet 970, MedGen C2752089, MONDO:0024309, OMIM 201300.
Pseudohypoaldosteronism type 2C (PHA2C). Also called: Pseudohypoaldosteronism Type IIC. Identifiers: Orphanet 757, Orphanet 88940, MedGen C1840391, MONDO:0013778, OMIM 614492.
Inborn genetic diseases. Identifiers: MedGen C0950123, MeSH D030342.

Allele frequency attached by ClinVar (database versions not stated): ExAC 0.00002; gnomAD exomes 0.00002.
gnomAD v4.1: 5 of 1,614,114 alleles (0.00031%); highest among the groups gnomAD compares: Admixed American, 0.0083%; no homozygotes.

Submissions (3):

Fulgent Genetics
Classification: Uncertain significance for Neuropathy, hereditary sensory and autonomic, type 2A; Pseudohypoaldosteronism type 2C. Last evaluated: 2022-03-28. Review status: criteria provided, single submitter. Criteria: ACMG Guidelines, 2015. Collection method: clinical testing. Allele origin: unknown.

Ambry Genetics
Classification: Uncertain significance for Inborn genetic diseases. Last evaluated: 2020-12-22. Review status: criteria provided, single submitter. Criteria: Ambry Variant Classification Scheme 2023. Collection method: clinical testing. Allele origin: germline.
Comment: The p.V1705I variant (also known as c.5113G>A), located in coding exon 19 of the WNK1 gene, results from a G to A substitution at nucleotide position 5113. The valine at codon 1705 is replaced by isoleucine, an amino acid with highly similar properties. This amino acid position is not well conserved in available vertebrate species, and isoleucine is the reference amino acid in other vertebrate species. In addition, this alteration is predicted to be tolerated by in silico analysis. Since supporting evidence is limited at this time, the clinical significance of this alteration remains unclear.

Labcorp Genetics (formerly Invitae), Labcorp
Classification: Uncertain significance for Neuropathy, hereditary sensory and autonomic, type 2A; Pseudohypoaldosteronism type 2C. Last evaluated: 2020-09-17. Review status: criteria provided, single submitter. Criteria: Invitae Variant Classification Sherloc (09022015). Collection method: clinical testing. Allele origin: germline.
Comment: This sequence change replaces valine with isoleucine at codon 1705 of the WNK1 protein (p.Val1705Ile). The valine residue is weakly conserved and there is a small physicochemical difference between valine and isoleucine. This variant is present in population databases (rs774635947, ExAC 0.02%). In summary, the available evidence is currently insufficient to determine the role of this variant in disease. Therefore, it has been classified as a Variant of Uncertain Significance. Advanced modeling of protein sequence and biophysical properties (such as structural, functional, and spatial information, amino acid conservation, physicochemical variation, residue mobility, and thermodynamic stability) performed at Invitae indicates that this missense variant is not expected to disrupt WNK1 protein function. This variant has not been reported in the literature in individuals with WNK1-related conditions.